The following is an entry in ClinVar:

ClinVar aggregate classification (germline): Pathogenic (1 of 4 stars; one submission).

Conditions:
Developmental and epileptic encephalopathy, 34 (DEE34). Also called: SLC12A5-Related Epilepsy of Infancy with Migrating Focal Seizures; Early infantile epileptic encephalopathy 34. Identifiers: Orphanet 293181, MedGen C4225257, MONDO:0014718, OMIM 616645.

Submission:

Labcorp Genetics (formerly Invitae), Labcorp
Classification: Pathogenic for Developmental and epileptic encephalopathy, 34. Last evaluated: 2021-12-15. Review status: criteria provided, single submitter. Criteria: Invitae Variant Classification Sherloc (09022015). Collection method: clinical testing. Allele origin: germline.
Comment: For these reasons, this variant has been classified as Pathogenic. This variant has not been reported in the literature in individuals affected with SLC12A5-related conditions. This variant is not present in population databases (gnomAD no frequency). This sequence change creates a premature translational stop signal (p.Phe321Serfs*43) in the SLC12A5 gene. It is expected to result in an absent or disrupted protein product. Loss-of-function variants in SLC12A5 are known to be pathogenic (PMID: 26333769, 27436767).

Literature cited by the submitters: PubMed 26333769; PubMed 27436767.

NM_020708.5(SLC12A5):c.962del (p.Phe321fs)

Gene: SLC12A5 (solute carrier family 12 member 5; plus strand). Cytogenetic location: 20q13.12.
Variant type: Deletion.
Coding change: c.962del on transcript NM_020708.5 (MANE Select); coding-DNA position 962, one base deleted (T; older notation c.962delT).
Protein change: p.Phe321fs; shifts the reading frame from phenylalanine 321.
Molecular consequence: frameshift variant.
Genome position (GRCh38, 1-based): chr20:46,041,436, T deleted; the last of 4 consecutive T bases (chr20:46,041,433-46,041,436); deleting any one gives the same sequence. VCF-style (leftmost placement, unchanged base first): chr20-46041432-CT-C. GRCh37 (hg19) VCF-style: chr20-44670071-CT-C.
Other names: c.1031del, p.Phe344fs (NM_001134771.2); short protein forms F321fs, F344fs.
Identifiers: ClinVar variation 2042998 (VCV002042998.4), dbSNP rs2515639213, ClinGen allele CA2580098246.